The following is an entry in ClinVar:

NM_000059.4(BRCA2):c.5436A>C (p.Glu1812Asp)

Gene: BRCA2 (BRCA2 DNA repair associated; plus strand). Cytogenetic location: 13q13.1.
Variant type: single nucleotide variant.
Coding change: c.5436A>C on transcript NM_000059.4 (MANE Select); coding-DNA position 5436, A replaced by C.
Protein change: p.Glu1812Asp; replaces glutamic acid 1812 with aspartic acid.
Molecular consequence: missense variant.
Genome position (GRCh38, 1-based): chr13:32,339,791, A>C. VCF-style: chr13-32339791-A-C. GRCh37 (hg19) VCF-style: chr13-32913928-A-C.
Other names: c.5436A>C, p.Glu1812Asp (NM_001406719.1, NM_001406720.1); short protein forms E1812D.
Identifiers: ClinVar variation 2085111 (VCV002085111.6), dbSNP rs754090538, ClinGen allele CA6940870.

ClinVar aggregate classification (germline): Conflicting classifications of pathogenicity. Review status: criteria provided, conflicting classifications (1 of 4 stars). 2 submissions from 2 submitters: Uncertain significance (1); Likely benign (1). Last evaluated 2023-03-23.

Conditions:
Hereditary cancer-predisposing syndrome. Also called: Tumor predisposition; Neoplastic Syndromes, Hereditary; Hereditary Cancer Syndrome; Hereditary neoplastic syndrome. Identifiers: Orphanet 140162, MedGen C0027672, MeSH D009386, MONDO:0015356.
Hereditary breast ovarian cancer syndrome. Also called: BRCA1- and BRCA2-Associated Hereditary Breast and Ovarian Cancer; Hereditary breast and/or ovarian cancer syndrome; Hereditary breast and ovarian cancer syndrome; Hereditary breast and ovarian cancer syndrome (HBOC); Breast and ovarian cancer; Hereditary breast and ovarian cancer. Identifiers: Orphanet 145, MedGen C0677776, MeSH D061325, MONDO:0003582. Disease mechanism: loss of function.

Allele frequency attached by ClinVar (database versions not stated): ExAC 0.00001.
gnomAD v4.1: 1 of 1,613,796 alleles (0.000062%); highest among the groups gnomAD compares: East Asian, 0.0022%; no homozygotes.

Submissions (2):

University of Washington Department of Laboratory Medicine, University of Washington
Classification: Likely benign for Hereditary cancer-predisposing syndrome. Last evaluated: 2023-03-23. Review status: criteria provided, single submitter. Criteria: Dines et al. (Genet Med. 2020). Collection method: curation. Allele origin: germline.
Comment: Missense variant in a coldspot region where missense variants are very unlikely to be pathogenic (PMID:31911673).

BRCA2 exon 11 coldspot. Reclassification based on statistical prior probability.

Labcorp Genetics (formerly Invitae), Labcorp
Classification: Uncertain significance for Hereditary breast ovarian cancer syndrome. Last evaluated: 2022-01-31. Review status: criteria provided, single submitter. Criteria: Invitae Variant Classification Sherloc (09022015). Collection method: clinical testing. Allele origin: germline.
Comment: In summary, the available evidence is currently insufficient to determine the role of this variant in disease. Therefore, it has been classified as a Variant of Uncertain Significance. Advanced modeling of protein sequence and biophysical properties (such as structural, functional, and spatial information, amino acid conservation, physicochemical variation, residue mobility, and thermodynamic stability) performed at Invitae indicates that this missense variant is not expected to disrupt BRCA2 protein function. This missense change has been observed in individual(s) with ovarian cancer (PMID: 19499246). This variant is present in population databases (rs754090538, gnomAD 0.006%). This sequence change replaces glutamic acid, which is acidic and polar, with aspartic acid, which is acidic and polar, at codon 1812 of the BRCA2 protein (p.Glu1812Asp).

Literature cited by the submitters: PubMed 19499246 (cited by Labcorp Genetics (formerly Invitae), Labcorp).